The following is an entry in ClinVar:

NM_007294.4(BRCA1):c.873dup (p.Leu292fs)

Gene: BRCA1 (BRCA1 DNA repair associated; minus strand). Cytogenetic location: 17q21.31.
Variant type: Duplication.
Coding change: c.873dup on transcript NM_007294.4 (MANE Select); coding-DNA position 873, one base duplicated (A; older notation c.873dupA).
Protein change: p.Leu292fs; shifts the reading frame from leucine 292.
Molecular consequence: frameshift variant. On other transcripts: 5 prime UTR variant (2), intron variant (137).
Genome position (GRCh38, 1-based): chr17:43,094,658, T duplicated on the plus strand (A on the coding strand, the reverse complement: BRCA1 is on the minus strand). VCF-style (leftmost placement, unchanged base first): chr17-43094657-G-GT. GRCh37 (hg19) VCF-style: chr17-41246674-G-GT.
Other names: 992dupA; c.660dup, p.Leu221fs (NM_001407571.1, NM_001407853.1, NM_001407894.1 and 9 more transcripts); c.873dup, p.Leu292fs (NM_001407581.1, NM_001407582.1, NM_001407583.1 and 30 more transcripts); c.870dup, p.Leu291fs (NM_001407587.1, NM_001407590.1, NM_001407591.1 and 22 more transcripts); c.864dup, p.Leu289fs (NM_001407646.1, NM_001407647.1); c.750dup, p.Leu251fs (NM_001407648.1, NM_001407664.1, NM_001407665.1 and 19 more transcripts); c.747dup, p.Leu250fs (NM_001407649.1, NM_001407670.1, NM_001407671.1 and 11 more transcripts); c.795dup, p.Leu266fs (NM_001407653.1, NM_001407654.1, NM_001407655.1 and 4 more transcripts); and 41 more; short protein forms L245fs, L292fs, L124fs, L164fs, L221fs, L251fs, L266fs, L181fs.
Identifiers: ClinVar variation 266588 (VCV000266588.6), dbSNP rs886040328, ClinGen allele CA10589984.

ClinVar aggregate classification (germline): Pathogenic. Review status: reviewed by expert panel (3 of 4 stars). 2 submissions from 2 submitters: Pathogenic (1). 1 of the submissions does not count toward it. Last evaluated 2016-10-18.

Conditions:
Breast-ovarian cancer, familial, susceptibility to, 1 (BROVCA1). Also called: BRCA1 Hereditary Breast and Ovarian Cancer; OVARIAN CANCER, SUSCEPTIBILITY TO. Identifiers: Orphanet 145, MedGen C2676676, MONDO:0011450, OMIM 604370. Disease mechanism: loss of function.

Submissions (2):

Evidence-based Network for the Interpretation of Germline Mutant Alleles (ENIGMA)
Classification: Pathogenic for Breast-ovarian cancer, familial, susceptibility to, 1. Last evaluated: 2016-10-18. Review status: reviewed by expert panel. Criteria: ENIGMA BRCA1/2 Classification Criteria (2015). Collection method: curation. Allele origin: germline.
Comment: Variant allele predicted to encode a truncated non-functional protein.

Consortium of Investigators of Modifiers of BRCA1/2 (CIMBA), c/o University of Cambridge
Classification: Pathogenic for Breast-ovarian cancer, familial, susceptibility to, 1. Last evaluated: 2015-10-02. Review status: criteria provided, single submitter. Criteria: CIMBA Mutation Classification guidelines May 2016. Collection method: clinical testing. Allele origin: germline. Not counted in ClinVar's aggregate classification.